The following is an entry in ClinVar:

ClinVar aggregate classification (germline): Conflicting classifications of pathogenicity. Review status: criteria provided, conflicting classifications (1 of 4 stars). 2 submissions from 2 submitters: Uncertain significance (1); Likely benign (1). Last evaluated 2025-07-30.

Conditions:
Hereditary cancer-predisposing syndrome. Also called: Neoplastic Syndromes, Hereditary; Tumor predisposition; Hereditary Cancer Syndrome; Hereditary neoplastic syndrome. Identifiers: Orphanet 140162, MedGen C0027672, MeSH D009386, MONDO:0015356.
Hereditary breast ovarian cancer syndrome. Also called: Hereditary breast and/or ovarian cancer syndrome; Hereditary breast and ovarian cancer syndrome; Breast and ovarian cancer; Hereditary breast and ovarian cancer; BRCA1- and BRCA2-Associated Hereditary Breast and Ovarian Cancer; Hereditary breast and ovarian cancer syndrome (HBOC). Identifiers: Orphanet 145, MedGen C0677776, MeSH D061325, MONDO:0003582. Disease mechanism: loss of function.

Submissions (2):

Labcorp Genetics (formerly Invitae), Labcorp
Classification: Uncertain significance for Hereditary breast ovarian cancer syndrome. Last evaluated: 2025-07-30. Review status: criteria provided, single submitter. Criteria: Invitae Variant Classification Sherloc (09022015). Collection method: clinical testing. Allele origin: germline.
Comment: This sequence change replaces alanine, which is neutral and non-polar, with glycine, which is neutral and non-polar, at codon 2683 of the BRCA2 protein (p.Ala2683Gly). This variant is not present in population databases (gnomAD no frequency). This variant has not been reported in the literature in individuals affected with BRCA2-related conditions. ClinVar contains an entry for this variant (Variation ID: 1761778). Invitae Evidence Modeling of protein sequence and biophysical properties (such as structural, functional, and spatial information, amino acid conservation, physicochemical variation, residue mobility, and thermodynamic stability) indicates that this missense variant is not expected to disrupt BRCA2 protein function with a negative predictive value of 95%. In summary, the available evidence is currently insufficient to determine the role of this variant in disease. Therefore, it has been classified as a Variant of Uncertain Significance.

Ambry Genetics
Classification: Likely benign for Hereditary cancer-predisposing syndrome. Last evaluated: 2025-05-19. Review status: criteria provided, single submitter. Criteria: Ambry Variant Classification Scheme 2023. Collection method: clinical testing. Allele origin: germline.

NM_000059.4(BRCA2):c.8048C>G (p.Ala2683Gly)

Gene: BRCA2 (BRCA2 DNA repair associated; plus strand). Cytogenetic location: 13q13.1.
Variant type: single nucleotide variant.
Coding change: c.8048C>G on transcript NM_000059.4 (MANE Select); coding-DNA position 8048, C replaced by G.
Protein change: p.Ala2683Gly; replaces alanine 2683 with glycine.
Molecular consequence: missense variant.
Genome position (GRCh38, 1-based): chr13:32,363,250, C>G. VCF-style: chr13-32363250-C-G. GRCh37 (hg19) VCF-style: chr13-32937387-C-G.
Other names: c.7952C>G, p.Ala2651Gly (NM_001406719.1); c.8048C>G, p.Ala2683Gly (NM_001406720.1); c.3116C>G, p.Ala1039Gly (NM_001406721.1); c.1631C>G, p.Ala544Gly (NM_001406722.1); short protein forms A2651G, A2683G, A544G, A1039G.
Identifiers: ClinVar variation 1761778 (VCV001761778.5), dbSNP rs2137580251, ClinGen allele CA387749049.